The following is an entry in ClinVar:

ClinVar aggregate classification (germline): Likely benign. Review status: criteria provided, single submitter (1 of 4 stars). 2 submissions from 2 submitters: Likely benign (1). 1 of the submissions does not count toward it. Last evaluated 2025-12-22.

Conditions:
Polyglucosan body myopathy type 1 (PGBM1). Also called: Polyglucosan body myopathy 1 with or without immunodeficiency; POLYGLUCOSAN BODY MYOPATHY WITHOUT IMMUNODEFICIENCY. Identifiers: Orphanet 329173, Orphanet 397937, MedGen C4014605, MONDO:0014389, OMIM 615895.
RBCK1-related disorder. Also called: RBCK1-related condition.

Allele frequency attached by ClinVar (database versions not stated): gnomAD exomes 0.00001 and 0.00003; gnomAD 0.00003; TOPMed 0.00003.
gnomAD v4.1: 18 of 1,561,806 alleles (0.0012%); highest among the groups gnomAD compares: East Asian, 0.019%; no homozygotes.

Submissions (2):

Labcorp Genetics (formerly Invitae), Labcorp
Classification: Likely benign for Polyglucosan body myopathy type 1. Last evaluated: 2025-12-22. Review status: criteria provided, single submitter. Criteria: Invitae Variant Classification Sherloc (09022015). Collection method: clinical testing. Allele origin: germline.

PreventionGenetics, part of Exact Sciences
Classification: Likely benign for RBCK1-related condition. Last evaluated: 2020-08-01. Review status: no assertion criteria provided. Collection method: clinical testing. Allele origin: germline. Not counted in ClinVar's aggregate classification.
Comment: This variant is classified as likely benign based on ACMG/AMP sequence variant interpretation guidelines (Richards et al. 2015 PMID: 25741868, with internal and published modifications).

NM_031229.4(RBCK1):c.855C>T (p.Cys285=)

Gene: RBCK1 (RANBP2-type and C3HC4-type zinc finger containing 1; plus strand). Cytogenetic location: 20p13.
Variant type: single nucleotide variant.
Coding change: c.855C>T on transcript NM_031229.4 (MANE Select); coding-DNA position 855, C replaced by T.
Protein change: p.Cys285=; no amino-acid change (cysteine 285 retained).
Molecular consequence: synonymous variant. On other transcripts: non-coding transcript variant (1), intron variant (2).
Genome position (GRCh38, 1-based): chr20:420,969, C>T. VCF-style: chr20-420969-C-T. GRCh37 (hg19) VCF-style: chr20-401613-C-T.
Other names: c.729C>T, p.Cys243= (NM_006462.6); c.408-1158C>T (NM_001323956.2, NM_001323958.2).
Identifiers: ClinVar variation 741490 (VCV000741490.12), dbSNP rs776856644, ClinGen allele CA9723207.
Genomic context (GRCh38, chr20:420,969, plus strand): 5'-CGTCCAGCTGGACCAGAGGAGCCTGGTGCTGAACACGGAGCCCGCCGAGTGCCCCGTGTG[C>T]TACTCGGTGCTGGCGCCCGGCGAGGCCGTGGTGCTGCGTGAGTGTCTGCACACCTTCTGC-3'
Protein context (NP_112506.2, residues 275-295): LNTEPAECPV[Cys285=]YSVLAPGEAV